The following is an entry in ClinVar:

NM_014915.3(ANKRD26):c.4025T>G (p.Leu1342Arg)

Gene: ANKRD26 (ankyrin repeat domain 26; minus strand). Cytogenetic location: 10p12.1.
Variant type: single nucleotide variant.
Coding change: c.4025T>G on transcript NM_014915.3 (MANE Select); coding-DNA position 4025, T replaced by G.
Protein change: p.Leu1342Arg; replaces leucine 1342 with arginine.
Molecular consequence: missense variant.
Genome position (GRCh38, 1-based): chr10:27,024,507, A>C on the plus strand (T>G on the coding strand, the complement: ANKRD26 is on the minus strand). VCF-style: chr10-27024507-A-C. GRCh37 (hg19) VCF-style: chr10-27313436-A-C.
Other names: c.4022T>G, p.Leu1341Arg (NM_001256053.2); short protein forms L1341R, L1342R.
Identifiers: ClinVar variation 4579291 (VCV004579291.1).

ClinVar aggregate classification (germline): Uncertain significance (1 of 4 stars; one submission).

Conditions:
Inborn genetic diseases. Identifiers: MedGen C0950123, MeSH D030342.

gnomAD v4.1: 5 of 1,587,658 alleles (0.00031%); highest among the groups gnomAD compares: Admixed American, 0.0017%; no homozygotes.

Submission:

Ambry Genetics
Classification: Uncertain significance for Inborn genetic diseases. Last evaluated: 2025-10-11. Review status: criteria provided, single submitter. Criteria: Ambry Variant Classification Scheme 2023. Collection method: clinical testing. Allele origin: germline.
Comment: The p.L1342R variant (also known as c.4025T>G), located in coding exon 28 of the ANKRD26 gene, results from a T to G substitution at nucleotide position 4025. The leucine at codon 1342 is replaced by arginine, an amino acid with dissimilar properties. This amino acid position is conserved. In addition, the in silico prediction for this alteration is inconclusive. Based on the available evidence, the clinical significance of this variant remains unclear.